The following is an entry in ClinVar:

ClinVar aggregate classification (germline): Pathogenic (1 of 4 stars; one submission).

Conditions:
Ellis-van Creveld syndrome (EVC). Also called: MESOECTODERMAL DYSPLASIA; Chondroectodermal dysplasia. Identifiers: Orphanet 289, MedGen C0013903, MONDO:0009162, OMIM 225500.

Submission:

Myriad Genetics, Inc.
Classification: Pathogenic for Ellis-van Creveld syndrome. Last evaluated: 2023-09-27. Review status: criteria provided, single submitter. Criteria: Myriad Autosomal Dominant, Autosomal Recessive and X-Linked Classification Criteria (2023). Collection method: clinical testing. Allele origin: unknown.
Comment: NM_153717.2(EVC):c.58dupG(A20Gfs*53) is expected to be pathogenic in the context of EVC-related Ellis-van Creveld syndrome. This variant is predicted to lead to an abnormal or absent protein product due to the creation of a premature termination codon in EVC, a gene where loss-of-function variants are known to be pathogenic. Please note: this variant was assessed in the context of healthy population screening.

NM_153717.3(EVC):c.58dup (p.Ala20fs)

Gene: EVC (EvC ciliary complex subunit 1; plus strand). Cytogenetic location: 4p16.2.
Variant type: Duplication.
Coding change: c.58dup on transcript NM_153717.3 (MANE Select); coding-DNA position 58, one base duplicated (G; older notation c.58dupG).
Protein change: p.Ala20fs; shifts the reading frame from alanine 20.
Molecular consequence: frameshift variant.
Genome position (GRCh38, 1-based): chr4:5,711,438, G duplicated. VCF-style (leftmost placement, unchanged base first): chr4-5711437-C-CG. GRCh37 (hg19) VCF-style: chr4-5713164-C-CG.
Other names: c.58dup, p.Ala20fs (NM_001306090.2, NM_001306092.2); short protein forms A20fs.
Identifiers: ClinVar variation 5011955 (VCV005011955.1).
Genomic context (GRCh38, chr4:5,711,437, plus strand): 5'-CCGGATGGCCCGCGGCGGGGCGGCCTGCAAGAGCGACGCGCGGCTGCTGCTGGGGCGGGA[C>CG]GCGCTGCGGCCGGCGCCCGCCCTGCTGGCCCCCGCCGTGCTGCTGGGCGCCGCGCTCGGC-3'